The following is an entry in ClinVar:

NM_032634.4(PIGO):c.2317G>A (p.Ala773Thr)

Gene: PIGO (phosphatidylinositol glycan anchor biosynthesis class O; minus strand). Cytogenetic location: 9p13.3.
Variant type: single nucleotide variant.
Coding change: c.2317G>A on transcript NM_032634.4 (MANE Select); coding-DNA position 2317, G replaced by A.
Protein change: p.Ala773Thr; replaces alanine 773 with threonine.
Molecular consequence: missense variant. On other transcripts: intron variant (2).
Genome position (GRCh38, 1-based): chr9:35,091,570, C>T on the plus strand (G>A on the coding strand, the complement: PIGO is on the minus strand). VCF-style: chr9-35091570-C-T. GRCh37 (hg19) VCF-style: chr9-35091567-C-T.
Other names: c.1345-279G>A (NM_152850.4, NM_001201484.2); short protein forms A773T.
Identifiers: ClinVar variation 3361685 (VCV003361685.1).
Genomic context (GRCh38, chr9:35,091,570, plus strand): 5'-AGTCAGCTTGAGAAGTGGGGGGGCCTGAGAAGGGAGTGAGGACAGTCCTGGTCCTTGGAG[C>T]GCCTGCCCCAGCCTTCACCAGCACTGTCACAGGCTTCCAGAGCAGCAGCGCGAGCCCTGA-3'
Protein context (NP_116023.2, residues 763-783): VTVLVKAGAG[Ala773Thr]PRTRTVLTPF

ClinVar aggregate classification (germline): Uncertain significance (1 of 4 stars; one submission).

gnomAD v4.1: 3 of 1,613,892 alleles (0.00019%); highest among the groups gnomAD compares: Non-Finnish European, 0.00025%; no homozygotes.

Submission:

GeneDx
Classification: Uncertain significance. Last evaluated: 2023-07-31. Review status: criteria provided, single submitter. Criteria: GeneDx Variant Classification Process June 2021. Collection method: clinical testing. Allele origin: germline. Affected: yes.
Comment: Not observed at significant frequency in large population cohorts (gnomAD); In silico analysis supports that this missense variant does not alter protein structure/function; Has not been previously published as pathogenic or benign to our knowledge